The following is an entry in ClinVar:

ClinVar aggregate classification (germline): Pathogenic/Likely pathogenic. Review status: criteria provided, multiple submitters, no conflicts (2 of 4 stars). 2 submissions from 2 submitters: Pathogenic (1); Likely pathogenic (1). Last evaluated 2021-03-01.

Conditions:
Marfan syndrome (MFS). Also called: Marfan syndrome, classic; Marfan syndrome type 1; Marfan's syndrome; MARFAN SYNDROME, TYPE I; FBN1-Related Marfan Syndrome. Identifiers: Orphanet 284963, Orphanet 558, MedGen C0024796, MONDO:0007947, OMIM 154700.
Familial thoracic aortic aneurysm and aortic dissection (TAAD). Also called: Thoracic aortic aneurysms and dissections. Identifiers: Orphanet 91387, MedGen C4707243, MONDO:0019625.

Submissions (2):

Centre of Medical Genetics, University of Antwerp
Classification: Likely pathogenic for Marfan syndrome. Last evaluated: 2021-03-01. Review status: criteria provided, single submitter. Criteria: Submitter's publication. Collection method: research. Allele origin: unknown. Affected: yes.
Comment: PM2, PS5, PP4

Labcorp Genetics (formerly Invitae), Labcorp
Classification: Pathogenic for Marfan syndrome; Familial thoracic aortic aneurysm and aortic dissection. Last evaluated: 2016-07-18. Review status: criteria provided, single submitter. Criteria: Invitae Variant Classification Sherloc (09022015). Collection method: clinical testing. Allele origin: germline.
Comment: This variant affects a cysteine residue located within an TGFBP domain of the FBN1 protein. Cysteine residues in these domains have been shown to be involved in the formation of disulfide bridges, which are critical for FBN1 protein structure and stability (PMID: 11104663, 12203987, 16677079). In addition, missense substitutions within the TGFBP domains affecting cysteine residues are significantly overrepresented among patients with Marfan syndrome (PMID: 16571647, 17701892). This variant has been reported in individuals affected with Marfan syndrome (PMID: 12203992, 26787436). This variant is not present in population databases (ExAC no frequency). This sequence change replaces cysteine with tyrosine at codon 661 of the FBN1 protein (p.Cys661Tyr). The cysteine residue is highly conserved and there is a large physicochemical difference between cysteine and tyrosine. For these reasons, this variant has been classified as Pathogenic.

Literature cited by the submitters: PubMed 11104663 (cited by Labcorp Genetics (formerly Invitae), Labcorp); PubMed 12203987 (cited by Labcorp Genetics (formerly Invitae), Labcorp); PubMed 16677079 (cited by Labcorp Genetics (formerly Invitae), Labcorp); PubMed 16571647 (cited by Labcorp Genetics (formerly Invitae), Labcorp); PubMed 17701892 (cited by Labcorp Genetics (formerly Invitae), Labcorp); PubMed 12203992 (cited by Labcorp Genetics (formerly Invitae), Labcorp); PubMed 26787436 (cited by Labcorp Genetics (formerly Invitae), Labcorp).

NM_000138.5(FBN1):c.1982G>A (p.Cys661Tyr)

Gene: FBN1 (fibrillin 1; minus strand). Cytogenetic location: 15q21.1.
Variant type: single nucleotide variant.
Coding change: c.1982G>A on transcript NM_000138.5 (MANE Select); coding-DNA position 1982, G replaced by A.
Protein change: p.Cys661Tyr; replaces cysteine 661 with tyrosine.
Molecular consequence: missense variant.
Genome position (GRCh38, 1-based): chr15:48,503,918, C>T on the plus strand (G>A on the coding strand, the complement: FBN1 is on the minus strand). VCF-style: chr15-48503918-C-T. GRCh37 (hg19) VCF-style: chr15-48796115-C-T.
Other names: short protein forms C661Y.
Identifiers: ClinVar variation 406359 (VCV000406359.26), dbSNP rs1060501086, ClinGen allele CA16614668.